The following is an entry in ClinVar:

ClinVar aggregate classification (germline): Likely pathogenic (1 of 4 stars; one submission).

Conditions:
Early-infantile DEE. Also called: Ohtahara syndrome; Early infantile epileptic encephalopathy with suppression bursts; Early infantile epileptic encephalopathy. Identifiers: Orphanet 1934, MedGen C0393706, MONDO:0800491.

Submission:

Labcorp Genetics (formerly Invitae), Labcorp
Classification: Likely pathogenic for Early-infantile DEE. Last evaluated: 2022-08-09. Review status: criteria provided, single submitter. Criteria: Invitae Variant Classification Sherloc (09022015). Collection method: clinical testing. Allele origin: germline.
Comment: In summary, the currently available evidence indicates that the variant is pathogenic, but additional data are needed to prove that conclusively. Therefore, this variant has been classified as Likely Pathogenic. This variant disrupts the p.Glu954 amino acid residue in SCN1A. Other variant(s) that disrupt this residue have been determined to be pathogenic (Invitae). This suggests that this residue is clinically significant, and that variants that disrupt this residue are likely to be disease-causing. Advanced modeling of protein sequence and biophysical properties (such as structural, functional, and spatial information, amino acid conservation, physicochemical variation, residue mobility, and thermodynamic stability) performed at Invitae indicates that this missense variant is expected to disrupt SCN1A protein function. This variant has not been reported in the literature in individuals affected with SCN1A-related conditions. This variant is not present in population databases (gnomAD no frequency). This sequence change replaces glutamic acid, which is acidic and polar, with glycine, which is neutral and non-polar, at codon 954 of the SCN1A protein (p.Glu954Gly).

NM_001165963.4(SCN1A):c.2861A>G (p.Glu954Gly)

Gene: SCN1A (sodium voltage-gated channel alpha subunit 1; minus strand). Cytogenetic location: 2q24.3.
Variant type: single nucleotide variant.
Coding change: c.2861A>G on transcript NM_001165963.4 (MANE Select); coding-DNA position 2861, A replaced by G.
Protein change: p.Glu954Gly; replaces glutamic acid 954 with glycine.
Molecular consequence: missense variant. On other transcripts: non-coding transcript variant (1).
Genome position (GRCh38, 1-based): chr2:166,037,861, T>C on the plus strand (A>G on the coding strand, the complement: SCN1A is on the minus strand). VCF-style: chr2-166037861-T-C. GRCh37 (hg19) VCF-style: chr2-166894371-T-C.
Other names: c.2777A>G, p.Glu926Gly (NM_001165964.3, NM_001353957.2, NM_001353958.2); c.2861A>G, p.Glu954Gly (NM_001202435.3, NM_001353948.2); c.2828A>G, p.Glu943Gly (NM_001353949.2, NM_001353950.2, NM_001353951.2 and 2 more transcripts); c.2825A>G, p.Glu942Gly (NM_001353954.2, NM_001353955.2); c.2774A>G, p.Glu925Gly (NM_001353960.2); c.419A>G, p.Glu140Gly (NM_001353961.2); short protein forms E926G, E942G, E954G, E140G, E925G, E943G.
Identifiers: ClinVar variation 2020613 (VCV002020613.4), dbSNP rs878854262, ClinGen allele CA349061115.